The following is an entry in ClinVar:

ClinVar aggregate classification (germline): Uncertain significance. Review status: criteria provided, multiple submitters, no conflicts (2 of 4 stars). 2 submissions from 2 submitters: Uncertain significance (2). Last evaluated 2025-06-02.

Conditions:
Inborn genetic diseases. Identifiers: MedGen C0950123, MeSH D030342.

Allele frequency attached by ClinVar (database versions not stated): ExAC 0.00006; gnomAD exomes 0.00007; gnomAD 0.00010; TOPMed 0.00029.
gnomAD v4.1: 133 of 1,613,060 alleles (0.0082%); highest among the groups gnomAD compares: Non-Finnish European, 0.0088%; no homozygotes.

Submissions (2):

Labcorp Genetics (formerly Invitae), Labcorp
Classification: Uncertain significance. Last evaluated: 2025-06-02. Review status: criteria provided, single submitter. Criteria: Invitae Variant Classification Sherloc (09022015). Collection method: clinical testing. Allele origin: germline.
Comment: This sequence change replaces proline, which is neutral and non-polar, with serine, which is neutral and polar, at codon 321 of the COLGALT1 protein (p.Pro321Ser). This variant is present in population databases (rs749560380, gnomAD 0.02%). This variant has not been reported in the literature in individuals affected with COLGALT1-related conditions. ClinVar contains an entry for this variant (Variation ID: 2052146). Invitae Evidence Modeling of protein sequence and biophysical properties (such as structural, functional, and spatial information, amino acid conservation, physicochemical variation, residue mobility, and thermodynamic stability) indicates that this missense variant is not expected to disrupt COLGALT1 protein function with a negative predictive value of 80%. In summary, the available evidence is currently insufficient to determine the role of this variant in disease. Therefore, it has been classified as a Variant of Uncertain Significance.

Ambry Genetics
Classification: Uncertain significance for Inborn genetic diseases. Last evaluated: 2024-02-05. Review status: criteria provided, single submitter. Criteria: Ambry Variant Classification Scheme 2023. Collection method: clinical testing. Allele origin: germline.

NM_024656.4(COLGALT1):c.961C>T (p.Pro321Ser)

Gene: COLGALT1 (collagen beta(1-O)galactosyltransferase 1; plus strand). Cytogenetic location: 19p13.11.
Variant type: single nucleotide variant.
Coding change: c.961C>T on transcript NM_024656.4 (MANE Select); coding-DNA position 961, C replaced by T.
Protein change: p.Pro321Ser; replaces proline 321 with serine.
Molecular consequence: missense variant.
Genome position (GRCh38, 1-based): chr19:17,577,206, C>T. VCF-style: chr19-17577206-C-T. GRCh37 (hg19) VCF-style: chr19-17688015-C-T.
Other names: c.961C>T (NM_024656.2); short protein forms P321S.
Identifiers: ClinVar variation 2052146 (VCV002052146.3), dbSNP rs749560380, ClinGen allele CA9297122.